The following is an entry in ClinVar:

ClinVar aggregate classification (germline): Uncertain significance (1 of 4 stars; one submission).

Conditions:
Cataract 19 multiple types. Also called: CATARACT 19, CORTICAL PULVERULENT; CATARACT 19, CONGENITAL TOTAL. Identifiers: Orphanet 91492, MedGen C3809004, MONDO:0014111, OMIM 615277.

Allele frequency attached by ClinVar (database versions not stated): TOPMed 0.00002.

Submission:

Labcorp Genetics (formerly Invitae), Labcorp
Classification: Uncertain significance for Cataract 19 multiple types. Last evaluated: 2017-07-19. Review status: criteria provided, single submitter. Criteria: Invitae Variant Classification Sherloc (09022015). Collection method: clinical testing. Allele origin: germline.
Comment: Experimental studies and prediction algorithms are not available for this variant, and the functional significance of the deleted amino acids is currently unknown. In summary, the available evidence is currently insufficient to determine the role of this variant in disease. Therefore, it has been classified as a Variant of Uncertain Significance. This variant has not been reported in the literature in individuals with LIM2-related disease. This variant is not present in population databases (ExAC no frequency). This sequence change results in a premature translational stop signal in the LIM2 gene (p.Tyr182*). While this is not anticipated to result in nonsense mediated decay, it is expected to delete the last 34 amino acids of the LIM2 protein.

NM_001161748.2(LIM2):c.420C>A (p.Tyr140Ter)

Gene: LIM2 (lens intrinsic membrane protein 2; minus strand). Cytogenetic location: 19q13.41.
Variant type: single nucleotide variant.
Coding change: c.420C>A on transcript NM_001161748.2 (MANE Select); coding-DNA position 420, C replaced by A.
Protein change: p.Tyr140Ter; replaces tyrosine 140 with a stop codon.
Molecular consequence: nonsense.
Genome position (GRCh38, 1-based): chr19:51,380,545, G>T on the plus strand (C>A on the coding strand, the complement: LIM2 is on the minus strand). VCF-style: chr19-51380545-G-T. GRCh37 (hg19) VCF-style: chr19-51883799-G-T.
Other names: c.546C>A, p.Tyr182Ter (NM_030657.4); short protein forms Y182*, Y140*.
Identifiers: ClinVar variation 474242 (VCV000474242.9), dbSNP rs1212925287, ClinGen allele CA407069738.
Genomic context (GRCh38, chr19:51,380,545, plus strand): 5'-CCACCCCTTGCCCCCAGTACCTGCGAAGAACGTCATGAGCACTGCCACCCAGCCCAGGAT[G>T]TAGGACCAGGAAAAGCGCCAGTCCCCAAAGCGGCGGCCCAGGAAGCTGACGGTGACTCCA-3'